The following is an entry in ClinVar:

NM_001323289.2(CDKL5):c.2375C>G (p.Thr792Arg)

Gene: CDKL5 (cyclin dependent kinase like 5; plus strand). Cytogenetic location: Xp22.13.
Variant type: single nucleotide variant.
Coding change: c.2375C>G on transcript NM_001323289.2 (MANE Select); coding-DNA position 2375, C replaced by G.
Protein change: p.Thr792Arg; replaces threonine 792 with arginine.
Molecular consequence: missense variant.
Genome position (GRCh38, 1-based): chrX:18,619,965, C>G. VCF-style: chrX-18619965-C-G. GRCh37 (hg19) VCF-style: chrX-18638085-C-G.
Other names: c.2375C>G, p.Thr792Arg (NM_001037343.2, NM_003159.3); short protein forms T792R.
Identifiers: ClinVar variation 1707143 (VCV001707143.3), dbSNP rs2518890606, ClinGen allele CA412364028.

ClinVar aggregate classification (germline): Uncertain significance. Review status: criteria provided, multiple submitters, no conflicts (2 of 4 stars). 2 submissions from 2 submitters: Uncertain significance (2). Last evaluated 2023-05-05.

Conditions:
Developmental and epileptic encephalopathy, 2 (DEE2). Also called: INFANTILE SPASM SYNDROME, X-LINKED 2; CDKL5 deficiency disorder. Identifiers: Orphanet 1934, Orphanet 3451, Orphanet 505652, MedGen C4750718, MONDO:0010396, OMIM 300672.

Submissions (2):

Baylor Genetics
Classification: Uncertain significance for Developmental and epileptic encephalopathy, 2. Last evaluated: 2023-05-05. Review status: criteria provided, single submitter. Criteria: ACMG Guidelines, 2015. Collection method: clinical testing. Allele origin: unknown.

GeneDx
Classification: Uncertain significance. Last evaluated: 2022-03-21. Review status: criteria provided, single submitter. Criteria: GeneDx Variant Classification Process June 2021. Collection method: clinical testing. Allele origin: germline. Affected: yes.
Comment: Not observed at significant frequency in large population cohorts (gnomAD); In silico analysis supports that this missense variant does not alter protein structure/function; Has not been previously published as pathogenic or benign to our knowledge